The following is an entry in ClinVar:

NM_000744.7(CHRNA4):c.806C>G (p.Ser269Cys)

Gene: CHRNA4 (cholinergic receptor nicotinic alpha 4 subunit; minus strand). Cytogenetic location: 20q13.33.
Variant type: single nucleotide variant.
Coding change: c.806C>G on transcript NM_000744.7 (MANE Select); coding-DNA position 806, C replaced by G.
Protein change: p.Ser269Cys; replaces serine 269 with cysteine.
Molecular consequence: missense variant. On other transcripts: non-coding transcript variant (1).
Genome position (GRCh38, 1-based): chr20:63,350,605, G>C on the plus strand (C>G on the coding strand, the complement: CHRNA4 is on the minus strand). VCF-style: chr20-63350605-G-C. GRCh37 (hg19) VCF-style: chr20-61981957-G-C.
Other names: c.278C>G, p.Ser93Cys (NM_001256573.2); c.806C>G (NM_000744.5); short protein forms S269C, S93C.
Identifiers: ClinVar variation 1381977 (VCV001381977.6), dbSNP rs2123472338, ClinGen allele CA409636664.

ClinVar aggregate classification (germline): Uncertain significance. Review status: criteria provided, multiple submitters, no conflicts (2 of 4 stars). 2 submissions from 2 submitters: Uncertain significance (2). Last evaluated 2025-09-08.

Conditions:
Familial sleep-related hypermotor epilepsy. Also called: Autosomal Dominant Sleep-Related Hypermotor (Hyperkinetic) Epilepsy. Identifiers: Orphanet 98784, MedGen C3696898, MONDO:0000030.

Submissions (2):

Labcorp Genetics (formerly Invitae), Labcorp
Classification: Uncertain significance. Last evaluated: 2025-09-08. Review status: criteria provided, single submitter. Criteria: Invitae Variant Classification Sherloc (09022015). Collection method: clinical testing. Allele origin: germline.
Comment: This sequence change replaces serine, which is neutral and polar, with cysteine, which is neutral and slightly polar, at codon 269 of the CHRNA4 protein (p.Ser269Cys). This variant is not present in population databases (gnomAD no frequency). This variant has not been reported in the literature in individuals affected with CHRNA4-related conditions. This missense change has been observed in at least one individual who was not affected with CHRNA4-related conditions (internal data). ClinVar contains an entry for this variant (Variation ID: 1381977). Invitae Evidence Modeling of protein sequence and biophysical properties (such as structural, functional, and spatial information, amino acid conservation, physicochemical variation, residue mobility, and thermodynamic stability) indicates that this missense variant is expected to disrupt CHRNA4 protein function with a positive predictive value of 80%. In summary, the available evidence is currently insufficient to determine the role of this variant in disease. Therefore, it has been classified as a Variant of Uncertain Significance.

GeneDx
Classification: Uncertain significance. Last evaluated: 2023-01-17. Review status: criteria provided, single submitter. Criteria: GeneDx Variant Classification Process June 2021. Collection method: clinical testing. Allele origin: germline. Affected: yes.
Comment: Not observed at significant frequency in large population cohorts (gnomAD); In silico analysis supports that this missense variant has a deleterious effect on protein structure/function; Has not been previously published as pathogenic or benign to our knowledge